The following is an entry in ClinVar:

ClinVar aggregate classification (germline): Uncertain significance (1 of 4 stars; one submission).

Conditions:
ALG11-congenital disorder of glycosylation. Also called: CONGENITAL DISORDER OF GLYCOSYLATION, TYPE Ip; ALG11-CDG. Identifiers: Orphanet 280071, MedGen C3150913, MONDO:0013349, OMIM 613661.

Submission:

Labcorp Genetics (formerly Invitae), Labcorp
Classification: Uncertain significance for ALG11-congenital disorder of glycosylation. Last evaluated: 2021-04-11. Review status: criteria provided, single submitter. Criteria: Invitae Variant Classification Sherloc (09022015). Collection method: clinical testing. Allele origin: germline.
Comment: In summary, the available evidence is currently insufficient to determine the role of this variant in disease. Therefore, it has been classified as a Variant of Uncertain Significance. This sequence change replaces lysine with glutamic acid at codon 313 of the ALG11 protein (p.Lys313Glu). The lysine residue is highly conserved and there is a small physicochemical difference between lysine and glutamic acid. This variant is not present in population databases (ExAC no frequency). This variant has not been reported in the literature in individuals with ALG11-related conditions. Algorithms developed to predict the effect of missense changes on protein structure and function (SIFT, PolyPhen-2, Align-GVGD) all suggest that this variant is likely to be disruptive, but these predictions have not been confirmed by published functional studies and their clinical significance is uncertain.

NM_001004127.3(ALG11):c.937A>G (p.Lys313Glu)

Gene: ALG11 (ALG11 alpha-1,2-mannosyltransferase; plus strand). Cytogenetic location: 13q14.3.
Variant type: single nucleotide variant.
Coding change: c.937A>G on transcript NM_001004127.3 (MANE Select); coding-DNA position 937, A replaced by G.
Protein change: p.Lys313Glu; replaces lysine 313 with glutamic acid.
Molecular consequence: missense variant.
Genome position (GRCh38, 1-based): chr13:52,024,667, A>G. VCF-style: chr13-52024667-A-G. GRCh37 (hg19) VCF-style: chr13-52598803-A-G.
Other names: short protein forms K313E.
Identifiers: ClinVar variation 1517620 (VCV001517620.8), dbSNP rs2140840089, ClinGen allele CA388017198.